The following is an entry in ClinVar:

NM_000057.4(BLM):c.3428A>G (p.Glu1143Gly)

Gene: BLM (BLM RecQ like helicase; plus strand). Cytogenetic location: 15q26.1.
Variant type: single nucleotide variant.
Coding change: c.3428A>G on transcript NM_000057.4 (MANE Select); coding-DNA position 3428, A replaced by G.
Protein change: p.Glu1143Gly; replaces glutamic acid 1143 with glycine.
Molecular consequence: missense variant. On other transcripts: intron variant (1).
Genome position (GRCh38, 1-based): chr15:90,803,590, A>G. VCF-style: chr15-90803590-A-G. GRCh37 (hg19) VCF-style: chr15-91346820-A-G.
Other names: c.3428A>G, p.Glu1143Gly (NM_001287246.2); c.2303A>G, p.Glu768Gly (NM_001287248.2); c.3358+5253A>G (NM_001287247.2); short protein forms E1143G, E768G.
Identifiers: ClinVar variation 4533151 (VCV004533151.1).

ClinVar aggregate classification (germline): Uncertain significance (1 of 4 stars; one submission).

Submission:

Quest Diagnostics Nichols Institute San Juan Capistrano
Classification: Uncertain significance. Last evaluated: 2025-03-12. Review status: criteria provided, single submitter. Criteria: Quest Diagnostics criteria. Collection method: clinical testing. Allele origin: unknown.
Comment: The BLM c.3428A>G (p.Glu1143Gly) variant has not been reported in individuals with BLM-related conditions in the published literature. It also has not been reported in large, multi-ethnic general populations (Genome Aggregation Database). Analysis of this variant using bioinformatics tools for the prediction of the effect of amino acid changes on protein structure and function yielded predictions that this variant is benign. Based on the available information, we are unable to determine the clinical significance of this variant.